The following is an entry in ClinVar:

ClinVar aggregate classification (germline): Likely benign (1 of 4 stars; one submission).

Allele frequency attached by ClinVar (database versions not stated): 1000 Genomes Project 30x 0.00016; 1000 Genomes Project 0.00020; TOPMed 0.00093; gnomAD 0.00109; gnomAD exomes 0.00126.
gnomAD v4.1: 1,055 of 830,832 alleles (0.13%); highest among the groups gnomAD compares: Non-Finnish European, 0.16%; 5 homozygotes.

Submission:

CeGaT Center for Human Genetics Tuebingen
Classification: Likely benign. Last evaluated: 2026-08-01. Review status: criteria provided, single submitter. Criteria: CeGaT Center For Human Genetics Tuebingen Variant Classification Criteria Version 2. Collection method: clinical testing. Allele origin: germline. Affected: yes. Observed: 9 variant alleles.
Comment: RET: BS1

NM_020975.6(RET):c.2136+151G>A

Gene: RET (ret proto-oncogene; plus strand). Cytogenetic location: 10q11.21.
Variant type: single nucleotide variant.
Coding change: c.2136+151G>A on transcript NM_020975.6 (MANE Select); 151 bases into the intron after coding-DNA position 2136, G replaced by A.
Molecular consequence: intron variant.
Genome position (GRCh38, 1-based): chr10:43,114,887, G>A. VCF-style: chr10-43114887-G-A. GRCh37 (hg19) VCF-style: chr10-43610335-G-A.
Other names: c.2136+151G>A (NM_020630.7, NM_001406743.1, NM_001406744.1 and 2 more transcripts); c.2001+151G>A (NM_001406765.1, NM_001406763.1); c.1740+151G>A (NM_001406772.1, NM_001406769.1); c.1698+151G>A (NM_001406773.1, NM_001406771.1); c.1239+151G>A (NM_001406782.1, NM_001406780.1, NM_001406779.1 and 1 more transcripts); c.1104+151G>A (NM_001406787.1); c.1119+151G>A (NM_001406785.1); c.2007+151G>A (NM_001406764.1, NM_001406762.1, NM_001406761.1); and 10 more.
Identifiers: ClinVar variation 2640415 (VCV002640415.24), dbSNP rs528995550, ClinGen allele CA206263055.